The following is an entry in ClinVar:

NM_001387430.1(SH2B1):c.376T>C (p.Ser126Pro)

Gene: SH2B1 (SH2B adaptor protein 1; plus strand). Cytogenetic location: 16p11.2.
Variant type: single nucleotide variant.
Coding change: c.376T>C on transcript NM_001387430.1 (MANE Select); coding-DNA position 376, T replaced by C.
Protein change: p.Ser126Pro; replaces serine 126 with proline.
Molecular consequence: missense variant. On other transcripts: intron variant (1).
Genome position (GRCh38, 1-based): chr16:28,866,470, T>C. VCF-style: chr16-28866470-T-C. GRCh37 (hg19) VCF-style: chr16-28877791-T-C.
Other names: c.376T>C, p.Ser126Pro (NM_001145795.2, NM_001145796.2, NM_001145797.2 and 4 more transcripts); c.-26-904T>C (NM_001308294.2); short protein forms S126P.
Identifiers: ClinVar variation 4984629 (VCV004984629.1).

ClinVar aggregate classification (germline): Uncertain significance (1 of 4 stars; one submission).

Conditions:
SH2B1-related disorder. Also called: SH2B1-related condition.

gnomAD v4.1: 3 of 1,613,906 alleles (0.00019%); highest among the groups gnomAD compares: African/African-American, 0.0027%; no homozygotes.

Submission:

PreventionGenetics, part of Exact Sciences
Classification: Uncertain significance for SH2B1-related condition. Last evaluated: 2024-11-27. Review status: criteria provided, single submitter. Criteria: ACMG Guidelines, 2015. Collection method: clinical testing. Allele origin: germline.
Comment: The SH2B1 c.376T>C variant is predicted to result in the amino acid substitution p.Ser126Pro. To our knowledge, this variant has not been reported in the literature. This variant is reported in 0.0080% of alleles in individuals of African descent in gnomAD. At this time, the clinical significance of this variant is uncertain due to the absence of conclusive functional and genetic evidence.